The following is an entry in ClinVar:

NM_001367624.2(ZNF469):c.2184C>T (p.Asp728=)

Gene: ZNF469 (zinc finger protein 469; plus strand). Cytogenetic location: 16q24.2.
Variant type: single nucleotide variant.
Coding change: c.2184C>T on transcript NM_001367624.2 (MANE Select); coding-DNA position 2184, C replaced by T.
Protein change: p.Asp728=; no amino-acid change (aspartic acid 728 retained).
Molecular consequence: synonymous variant.
Genome position (GRCh38, 1-based): chr16:88,429,654, C>T. VCF-style: chr16-88429654-C-T. GRCh37 (hg19) VCF-style: chr16-88496062-C-T.
Other names: NM_001127464.1:c.2184C>T; p.Asp728=.
Identifiers: ClinVar variation 1787305 (VCV001787305.7), dbSNP rs757009906, ClinGen allele CA8224752.

ClinVar aggregate classification (germline): Likely benign. Review status: criteria provided, multiple submitters, no conflicts (2 of 4 stars). 4 submissions from 4 submitters: Likely benign (4). Last evaluated 2025-12-10.

Conditions:
Cardiovascular phenotype. Identifiers: MedGen CN230736.

Allele frequency attached by ClinVar (database versions not stated): TOPMed below 0.00001; gnomAD 0.00001; gnomAD exomes 0.00001.
gnomAD v4.1: 19 of 1,542,356 alleles (0.0012%); highest among the groups gnomAD compares: Middle Eastern, 0.017%; no homozygotes.

Submissions (4):

Women's Health and Genetics/Laboratory Corporation of America, LabCorp
Classification: Likely benign. Last evaluated: 2025-12-10. Review status: criteria provided, single submitter. Criteria: LabCorp Variant Classification Summary - May 2015. Collection method: clinical testing. Allele origin: germline.

Mayo Clinic Laboratories, Mayo Clinic
Classification: Likely benign. Last evaluated: 2025-04-23. Review status: criteria provided, single submitter. Criteria: ACMG Guidelines, 2015. Collection method: clinical testing. Allele origin: germline. Observed: 1 variant allele.
Comment: BP4, BP7

Labcorp Genetics (formerly Invitae), Labcorp
Classification: Likely benign. Last evaluated: 2024-01-02. Review status: criteria provided, single submitter. Criteria: Invitae Variant Classification Sherloc (09022015). Collection method: clinical testing. Allele origin: germline.

Ambry Genetics
Classification: Likely benign for Cardiovascular phenotype. Last evaluated: 2022-10-27. Review status: criteria provided, single submitter. Criteria: Ambry Variant Classification Scheme 2023. Collection method: clinical testing. Allele origin: germline.